The following is an entry in ClinVar:

NM_003482.4(KMT2D):c.2797+1G>C

Gene: KMT2D (lysine methyltransferase 2D; minus strand). Cytogenetic location: 12q13.12.
Variant type: single nucleotide variant.
Coding change: c.2797+1G>C on transcript NM_003482.4 (MANE Select); the canonical splice donor site of the intron after coding-DNA position 2797, G replaced by C.
Molecular consequence: splice donor variant.
Genome position (GRCh38, 1-based): chr12:49,050,885, C>G on the plus strand (G>C on the coding strand, the complement: KMT2D is on the minus strand). VCF-style: chr12-49050885-C-G. GRCh37 (hg19) VCF-style: chr12-49444668-C-G.
Identifiers: ClinVar variation 3721143 (VCV003721143.2).

ClinVar aggregate classification (germline): Pathogenic (1 of 4 stars; one submission).

Conditions:
Kabuki syndrome. Also called: NIIKAWA-KUROKI SYNDROME; Kabuki make-up syndrome. Identifiers: Orphanet 2322, MedGen C0796004, MONDO:0016512.

Submission:

Labcorp Genetics (formerly Invitae), Labcorp
Classification: Pathogenic for Kabuki syndrome. Last evaluated: 2024-11-16. Review status: criteria provided, single submitter. Criteria: Invitae Variant Classification Sherloc (09022015). Collection method: clinical testing. Allele origin: germline.
Comment: This sequence change affects a donor splice site in intron 10 of the KMT2D gene. It is expected to disrupt RNA splicing. Variants that disrupt the donor or acceptor splice site typically lead to a loss of protein function (PMID: 16199547), and loss-of-function variants in KMT2D are known to be pathogenic (PMID: 22126750). This variant is not present in population databases (gnomAD no frequency). Disruption of this splice site has been observed in individual(s) with Kabuki syndrome (PMID: 27302555). In at least one individual the variant was observed to be de novo. Algorithms developed to predict the effect of sequence changes on RNA splicing suggest that this variant may disrupt the consensus splice site. For these reasons, this variant has been classified as Pathogenic.

Literature cited by the submitters: PubMed 16199547; PubMed 22126750; PubMed 27302555.